The following is an entry in ClinVar:

NM_000878.5(IL2RB):c.1453T>A (p.Phe485Ile)

Gene: IL2RB (interleukin 2 receptor subunit beta; minus strand). Cytogenetic location: 22q12.3.
Variant type: single nucleotide variant.
Coding change: c.1453T>A on transcript NM_000878.5 (MANE Select); coding-DNA position 1453, T replaced by A.
Protein change: p.Phe485Ile; replaces phenylalanine 485 with isoleucine.
Molecular consequence: missense variant.
Genome position (GRCh38, 1-based): chr22:37,128,299, A>T on the plus strand (T>A on the coding strand, the complement: IL2RB is on the minus strand). VCF-style: chr22-37128299-A-T. GRCh37 (hg19) VCF-style: chr22-37524339-A-T.
Other names: c.1453T>A, p.Phe485Ile (NM_001346222.1, NM_001346223.2); short protein forms F485I.
Identifiers: ClinVar variation 2967500 (VCV002967500.2), dbSNP rs1409018398, ClinGen allele CA411423991.

ClinVar aggregate classification (germline): Uncertain significance (1 of 4 stars; one submission).

Allele frequency attached by ClinVar (database versions not stated): gnomAD 0.00003; TOPMed 0.00005.
gnomAD v4.1: 5 of 1,497,594 alleles (0.00033%); highest among the groups gnomAD compares: African/African-American, 0.007%; no homozygotes.

Submission:

Labcorp Genetics (formerly Invitae), Labcorp
Classification: Uncertain significance. Last evaluated: 2023-12-12. Review status: criteria provided, single submitter. Criteria: Invitae Variant Classification Sherloc (09022015). Collection method: clinical testing. Allele origin: germline.
Comment: This sequence change replaces phenylalanine, which is neutral and non-polar, with isoleucine, which is neutral and non-polar, at codon 485 of the IL2RB protein (p.Phe485Ile). This variant is present in population databases (no rsID available, gnomAD 0.01%). This variant has not been reported in the literature in individuals affected with IL2RB-related conditions. Algorithms developed to predict the effect of missense changes on protein structure and function output the following: SIFT: "Not Available"; PolyPhen-2: "Benign"; Align-GVGD: "Not Available". The isoleucine amino acid residue is found in multiple mammalian species, which suggests that this missense change does not adversely affect protein function. In summary, the available evidence is currently insufficient to determine the role of this variant in disease. Therefore, it has been classified as a Variant of Uncertain Significance.